The following is an entry in ClinVar:

NM_006514.4(SCN10A):c.621T>A (p.Asp207Glu)

Gene: SCN10A (sodium voltage-gated channel alpha subunit 10; minus strand). Cytogenetic location: 3p22.2.
Variant type: single nucleotide variant.
Coding change: c.621T>A on transcript NM_006514.4 (MANE Select); coding-DNA position 621, T replaced by A.
Protein change: p.Asp207Glu; replaces aspartic acid 207 with glutamic acid.
Molecular consequence: missense variant.
Genome position (GRCh38, 1-based): chr3:38,763,575, A>T on the plus strand (T>A on the coding strand, the complement: SCN10A is on the minus strand). VCF-style: chr3-38763575-A-T. GRCh37 (hg19) VCF-style: chr3-38805066-A-T.
Other names: c.621T>A, p.Asp207Glu (NM_001293306.2, NM_001293307.2); short protein forms D207E.
Identifiers: ClinVar variation 451867 (VCV000451867.5), dbSNP rs377716847, ClinGen allele CA2321129.
Genomic context (GRCh38, chr3:38,763,575, plus strand): 5'-AGAAACTGTTTTTAATGCTCTAAGAACTCTGAATGTCCGCAGGCCTGAGATCCCACGGAG[A>T]TCTATTGCTGTGCCAACATATCTGTAGGACCAGAAGTTAGTCAGCATCTCTGCAAGCAAG-3'
Protein context (NP_006505.4, residues 197-217): ITLAYVGTAI[Asp207Glu]LRGISGLRTF

ClinVar aggregate classification (germline): Uncertain significance. Review status: criteria provided, multiple submitters, no conflicts (2 of 4 stars). 2 submissions from 2 submitters: Uncertain significance (2). Last evaluated 2024-09-17.

Conditions:
Cardiovascular phenotype. Identifiers: MedGen CN230736.

Allele frequency attached by ClinVar (database versions not stated): gnomAD exomes below 0.00001; ExAC 0.00001; gnomAD 0.00001; TOPMed 0.00004; ESP Exome Variant Server 0.00008.
gnomAD v4.1: 6 of 1,613,908 alleles (0.00037%); highest among the groups gnomAD compares: African/African-American, 0.008%; no homozygotes.

Submissions (2):

Ambry Genetics
Classification: Uncertain significance for Cardiovascular phenotype. Last evaluated: 2024-09-17. Review status: criteria provided, single submitter. Criteria: Ambry Variant Classification Scheme 2023. Collection method: clinical testing. Allele origin: germline.
Comment: The p.D207E variant (also known as c.621T>A), located in coding exon 5 of the SCN10A gene, results from a T to A substitution at nucleotide position 621. The aspartic acid at codon 207 is replaced by glutamic acid, an amino acid with highly similar properties. This amino acid position is not well conserved in available vertebrate species. In addition, this alteration is predicted to be tolerated by in silico analysis. The evidence for this gene-disease relationship is limited; therefore, the clinical significance of this alteration is unclear.

GeneDx
Classification: Uncertain significance. Last evaluated: 2017-09-07. Review status: criteria provided, single submitter. Criteria: GeneDx Variant Classification (06012015). Collection method: clinical testing. Allele origin: germline. Affected: yes.
Comment: A variant of uncertain significance has been identified in the SCN10A gene. The D207E variant has not been published as pathogenic or been reported as benign to our knowledge. This variant is not observed at a significant frequency in large population cohorts (Lek et al., 2016; 1000 Genomes Consortium et al., 2015; Exome Variant Server). However, the D207E variant is a conservative amino acid substitution, which is not likely to impact secondary protein structure as these residues share similar properties. This substitution occurs at a position not conserved across species and where glutamic acid (E) is present as the wild type in at least two species. Finally, in silico analysis is inconsistent in its predictions as to whether or not the variant is damaging to the protein structure/function.